The following is an entry in ClinVar:

ClinVar aggregate classification (germline): Uncertain significance (1 of 4 stars; one submission).

Conditions:
Bloom syndrome (BLM). Also called: Bloom-Torre-Machacek syndrome. Identifiers: Orphanet 125, MedGen C0005859, MONDO:0008876, OMIM 210900.

Submission:

Labcorp Genetics (formerly Invitae), Labcorp
Classification: Uncertain significance for Bloom syndrome. Last evaluated: 2023-02-15. Review status: criteria provided, single submitter. Criteria: Invitae Variant Classification Sherloc (09022015). Collection method: clinical testing. Allele origin: germline.
Comment: In summary, the available evidence is currently insufficient to determine the role of this variant in disease. Therefore, it has been classified as a Variant of Uncertain Significance. An algorithm developed to predict the effect of missense changes on protein structure and function (PolyPhen-2) suggests that this variant is likely to be tolerated. This variant has not been reported in the literature in individuals affected with BLM-related conditions. This variant is not present in population databases (gnomAD no frequency). This sequence change replaces serine, which is neutral and polar, with threonine, which is neutral and polar, at codon 255 of the BLM protein (p.Ser255Thr).

NM_000057.4(BLM):c.764G>C (p.Ser255Thr)

Gene: BLM (BLM RecQ like helicase; plus strand). Cytogenetic location: 15q26.1.
Variant type: single nucleotide variant.
Coding change: c.764G>C on transcript NM_000057.4 (MANE Select); coding-DNA position 764, G replaced by C.
Protein change: p.Ser255Thr; replaces serine 255 with threonine.
Molecular consequence: missense variant. On other transcripts: 5 prime UTR variant (1).
Genome position (GRCh38, 1-based): chr15:90,750,032, G>C. VCF-style: chr15-90750032-G-C. GRCh37 (hg19) VCF-style: chr15-91293262-G-C.
Other names: c.764G>C, p.Ser255Thr (NM_001287246.2, NM_001287247.2); c.-528G>C (NM_001287248.2); short protein forms S255T.
Identifiers: ClinVar variation 2837715 (VCV002837715.3), dbSNP rs2505394972, ClinGen allele CA393841511.